The following is an entry in ClinVar:

NM_017780.4(CHD7):c.7972A>G (p.Met2658Val)

Gene: CHD7 (chromodomain helicase DNA binding protein 7; plus strand). Cytogenetic location: 8q12.2.
Variant type: single nucleotide variant.
Coding change: c.7972A>G on transcript NM_017780.4 (MANE Select); coding-DNA position 7972, A replaced by G.
Protein change: p.Met2658Val; replaces methionine 2658 with valine.
Molecular consequence: missense variant.
Genome position (GRCh38, 1-based): chr8:60,862,548, A>G. VCF-style: chr8-60862548-A-G. GRCh37 (hg19) VCF-style: chr8-61775107-A-G.
Other names: c.1825A>G, p.Met609Val (NM_001316690.1); short protein forms M2658V, M609V.
Identifiers: ClinVar variation 1307111 (VCV001307111.3), dbSNP rs1056534038, ClinGen allele CA177327221.

ClinVar aggregate classification (germline): Uncertain significance. Review status: criteria provided, multiple submitters, no conflicts (2 of 4 stars). 2 submissions from 2 submitters: Uncertain significance (2). Last evaluated 2022-03-09.

Conditions:
Hypogonadotropic hypogonadism 5 with or without anosmia (KAL5). Also called: HYPOGONADOTROPIC HYPOGONADISM 5 WITH ANOSMIA; CHD7-Related GnRH Deficiency (Kallmann Syndrome 5); HYPOGONADOTROPHIC HYPOGONADISM 5 WITHOUT ANOSMIA. Identifiers: Orphanet 478, MedGen C3552553, MONDO:0012880, OMIM 612370. Disease mechanism: loss of function.
CHARGE syndrome (CHARGE). Also called: Hittner Hirsch Kreh syndrome; CHARGE ASSOCIATION--COLOBOMA, HEART ANOMALY, CHOANAL ATRESIA, RETARDATION, GENITAL AND EAR ANOMALIES; Coloboma, heart anomaly, choanal atresia, retardation, genital and ear anomalies; CHARGE association; Hall-Hittner syndrome. Identifiers: Orphanet 138, MedGen C0265354, MONDO:0008965.

Allele frequency attached by ClinVar (database versions not stated): gnomAD 0.00001; gnomAD exomes 0.00001; TOPMed 0.00001.

Submissions (2):

Fulgent Genetics
Classification: Uncertain significance for CHD7-related CHARGE syndrome; Hypogonadotropic hypogonadism 5 with or without anosmia. Last evaluated: 2022-03-09. Review status: criteria provided, single submitter. Criteria: ACMG Guidelines, 2015. Collection method: clinical testing. Allele origin: unknown.

GeneDx
Classification: Uncertain significance. Last evaluated: 2019-07-18. Review status: criteria provided, single submitter. Criteria: GeneDx Variant Classification Process June 2021. Collection method: clinical testing. Allele origin: germline. Affected: yes.
Comment: Not observed in large population cohorts (Lek et al., 2016); In silico analysis, which includes splice predictors and evolutionary conservation, suggests that this nucleotide substitution may impact gene splicing. In the absence of RNA/functional studies, the actual effect of this sequence change is unknown.; In silico analysis, which includes protein predictors and evolutionary conservation, supports that this missense change does not alter protein structure/function; Has not been previously published as pathogenic or benign to our knowledge